The following is an entry in ClinVar:

NM_005592.4(MUSK):c.433A>G (p.Met145Val)

Gene: MUSK (muscle associated receptor tyrosine kinase; plus strand). Cytogenetic location: 9q31.3.
Variant type: single nucleotide variant.
Coding change: c.433A>G on transcript NM_005592.4 (MANE Select); coding-DNA position 433, A replaced by G.
Protein change: p.Met145Val; replaces methionine 145 with valine.
Molecular consequence: missense variant.
Genome position (GRCh38, 1-based): chr9:110,695,477, A>G. VCF-style: chr9-110695477-A-G. GRCh37 (hg19) VCF-style: chr9-113457757-A-G.
Other names: c.433A>G, p.Met145Val (NM_001166280.2, NM_001166281.2); short protein forms M145V.
Identifiers: ClinVar variation 662267 (VCV000662267.7), dbSNP rs748144400, ClinGen allele CA5184009.

ClinVar aggregate classification (germline): Uncertain significance. Review status: criteria provided, multiple submitters, no conflicts (2 of 4 stars). 2 submissions from 2 submitters: Uncertain significance (2). Last evaluated 2023-05-18.

Conditions:
Inborn genetic diseases. Identifiers: MedGen C0950123, MeSH D030342.
Fetal akinesia deformation sequence 1 (FADS1). Also called: Fetal akinesia sequence; Pena-Shokeir syndrome type I. Identifiers: Orphanet 994, MedGen C1276035, MONDO:0100101, OMIM 208150, HP:0001989.
Congenital myasthenic syndrome 9. Also called: Myasthenic syndrome, congenital, 9, associated with acetylcholine receptor deficiency. Identifiers: Orphanet 590, MedGen C4225368, MONDO:0014587, OMIM 616325.

Allele frequency attached by ClinVar (database versions not stated): ExAC below 0.00001; gnomAD exomes below 0.00001; TOPMed below 0.00001.

Submissions (2):

Ambry Genetics
Classification: Uncertain significance for Inborn genetic diseases. Last evaluated: 2023-05-18. Review status: criteria provided, single submitter. Criteria: Ambry Variant Classification Scheme 2023. Collection method: clinical testing. Allele origin: germline.

Labcorp Genetics (formerly Invitae), Labcorp
Classification: Uncertain significance for Congenital myasthenic syndrome 9; Fetal akinesia deformation sequence 1. Last evaluated: 2022-08-16. Review status: criteria provided, single submitter. Criteria: Invitae Variant Classification Sherloc (09022015). Collection method: clinical testing. Allele origin: germline.
Comment: This sequence change replaces methionine, which is neutral and non-polar, with valine, which is neutral and non-polar, at codon 145 of the MUSK protein (p.Met145Val). This variant is not present in population databases (gnomAD no frequency). This variant has not been reported in the literature in individuals affected with MUSK-related conditions. ClinVar contains an entry for this variant (Variation ID: 662267). Advanced modeling of protein sequence and biophysical properties (such as structural, functional, and spatial information, amino acid conservation, physicochemical variation, residue mobility, and thermodynamic stability) performed at Invitae indicates that this missense variant is not expected to disrupt MUSK protein function. Algorithms developed to predict the effect of sequence changes on RNA splicing suggest that this variant may create or strengthen a splice site. In summary, the available evidence is currently insufficient to determine the role of this variant in disease. Therefore, it has been classified as a Variant of Uncertain Significance.